The following is an entry in ClinVar:

ClinVar aggregate classification (germline): Uncertain significance (1 of 4 stars; one submission).

Submission:

Labcorp Genetics (formerly Invitae), Labcorp
Classification: Uncertain significance. Last evaluated: 2021-04-23. Review status: criteria provided, single submitter. Criteria: Invitae Variant Classification Sherloc (09022015). Collection method: clinical testing. Allele origin: germline.
Comment: Algorithms developed to predict the effect of missense changes on protein structure and function (SIFT, PolyPhen-2, Align-GVGD) all suggest that this variant is likely to be tolerated, but these predictions have not been confirmed by published functional studies and their clinical significance is uncertain. In summary, the available evidence is currently insufficient to determine the role of this variant in disease. Therefore, it has been classified as a Variant of Uncertain Significance. This sequence change replaces serine with isoleucine at codon 36 of the COQ7 protein (p.Ser36Ile). The serine residue is moderately conserved and there is a large physicochemical difference between serine and isoleucine. This variant is not present in population databases (ExAC no frequency). This variant has not been reported in the literature in individuals with COQ7-related conditions.

NM_016138.5(COQ7):c.107G>T (p.Ser36Ile)

Gene: COQ7 (coenzyme Q7, hydroxylase; plus strand). Cytogenetic location: 16p12.3.
Variant type: single nucleotide variant.
Coding change: c.107G>T on transcript NM_016138.5 (MANE Select); coding-DNA position 107, G replaced by T.
Protein change: p.Ser36Ile; replaces serine 36 with isoleucine.
Molecular consequence: missense variant. On other transcripts: 5 prime UTR variant (5), non-coding transcript variant (3).
Genome position (GRCh38, 1-based): chr16:19,071,961, G>T. VCF-style: chr16-19071961-G-T. GRCh37 (hg19) VCF-style: chr16-19083283-G-T.
Other names: c.-8G>T (NM_001190983.2, NM_001370492.1, NM_001370493.1 and 2 more transcripts); c.65G>T, p.Ser22Ile (NM_001370489.1, NM_001370491.1); c.107G>T, p.Ser36Ile (NM_001370490.1); short protein forms S22I, S36I.
Identifiers: ClinVar variation 1347569 (VCV001347569.8), dbSNP rs780369090, ClinGen allele CA394918949.